The following is an entry in ClinVar:

ClinVar aggregate classification (germline): Uncertain significance (1 of 4 stars; one submission).

Conditions:
Spastic paraplegia. Identifiers: MedGen C0037772, HP:0001258.

Allele frequency attached by ClinVar (database versions not stated): gnomAD exomes below 0.00001; ESP Exome Variant Server 0.00008.
gnomAD v4.1: 4 of 1,612,306 alleles (0.00025%); highest among the groups gnomAD compares: Non-Finnish European, 0.00034%; no homozygotes.

Submission:

Labcorp Genetics (formerly Invitae), Labcorp
Classification: Uncertain significance for Spastic paraplegia. Last evaluated: 2022-12-09. Review status: criteria provided, single submitter. Criteria: Invitae Variant Classification Sherloc (09022015). Collection method: clinical testing. Allele origin: germline.
Comment: In summary, the available evidence is currently insufficient to determine the role of this variant in disease. Therefore, it has been classified as a Variant of Uncertain Significance. Algorithms developed to predict the effect of sequence changes on RNA splicing suggest that this variant may create or strengthen a splice site. This variant has not been reported in the literature in individuals affected with KIF5A-related conditions. This variant is present in population databases (rs375600786, gnomAD 0.0009%). This sequence change falls in intron 12 of the KIF5A gene. It does not directly change the encoded amino acid sequence of the KIF5A protein.

NM_004984.4(KIF5A):c.1293+16C>T

Gene: KIF5A (kinesin family member 5A; plus strand). Cytogenetic location: 12q13.3.
Variant type: single nucleotide variant.
Coding change: c.1293+16C>T on transcript NM_004984.4 (MANE Select); 16 bases into the intron after coding-DNA position 1293, C replaced by T.
Molecular consequence: intron variant.
Genome position (GRCh38, 1-based): chr12:57,570,178, C>T. VCF-style: chr12-57570178-C-T. GRCh37 (hg19) VCF-style: chr12-57963961-C-T.
Other names: c.1026+16C>T (NM_001354705.2).
Identifiers: ClinVar variation 2806961 (VCV002806961.3), dbSNP rs375600786, ClinGen allele CA237783860.